The following is an entry in ClinVar:

NM_000057.4(BLM):c.4150C>T (p.His1384Tyr)

Gene: BLM (BLM RecQ like helicase; plus strand). Cytogenetic location: 15q26.1.
Variant type: single nucleotide variant.
Coding change: c.4150C>T on transcript NM_000057.4 (MANE Select); coding-DNA position 4150, C replaced by T.
Protein change: p.His1384Tyr; replaces histidine 1384 with tyrosine.
Molecular consequence: missense variant.
Genome position (GRCh38, 1-based): chr15:90,815,175, C>T. VCF-style: chr15-90815175-C-T. GRCh37 (hg19) VCF-style: chr15-91358405-C-T.
Other names: c.4150C>T, p.His1384Tyr (NM_001287246.2); c.3757C>T, p.His1253Tyr (NM_001287247.2); c.3025C>T, p.His1009Tyr (NM_001287248.2); short protein forms H1384Y, H1253Y, H1009Y.
Identifiers: ClinVar variation 2805915 (VCV002805915.3), dbSNP rs2505575423, ClinGen allele CA393852348.

ClinVar aggregate classification (germline): Uncertain significance (1 of 4 stars; one submission).

Conditions:
Bloom syndrome (BLM). Also called: Bloom-Torre-Machacek syndrome. Identifiers: Orphanet 125, MedGen C0005859, MONDO:0008876, OMIM 210900.

Submission:

Labcorp Genetics (formerly Invitae), Labcorp
Classification: Uncertain significance for Bloom syndrome. Last evaluated: 2023-07-07. Review status: criteria provided, single submitter. Criteria: Invitae Variant Classification Sherloc (09022015). Collection method: clinical testing. Allele origin: germline.
Comment: This sequence change replaces histidine, which is basic and polar, with tyrosine, which is neutral and polar, at codon 1384 of the BLM protein (p.His1384Tyr). This variant is not present in population databases (gnomAD no frequency). This variant has not been reported in the literature in individuals affected with BLM-related conditions. Advanced modeling of protein sequence and biophysical properties (such as structural, functional, and spatial information, amino acid conservation, physicochemical variation, residue mobility, and thermodynamic stability) performed at Invitae indicates that this missense variant is not expected to disrupt BLM protein function. In summary, the available evidence is currently insufficient to determine the role of this variant in disease. Therefore, it has been classified as a Variant of Uncertain Significance.